The following is an entry in ClinVar:

NM_006204.4(PDE6C):c.45G>A (p.Glu15=)

Gene: PDE6C (phosphodiesterase 6C; plus strand). Cytogenetic location: 10q23.33.
Variant type: single nucleotide variant.
Coding change: c.45G>A on transcript NM_006204.4 (MANE Select); coding-DNA position 45, G replaced by A.
Protein change: p.Glu15=; no amino-acid change (glutamic acid 15 retained).
Molecular consequence: synonymous variant.
Genome position (GRCh38, 1-based): chr10:93,612,770, G>A. VCF-style: chr10-93612770-G-A. GRCh37 (hg19) VCF-style: chr10-95372527-G-A.
Identifiers: ClinVar variation 4979504 (VCV004979504.1).
Genomic context (GRCh38, chr10:93,612,770, plus strand): 5'-CAAAGCAAGCCACACCATGGGTGAGATCAACCAAGTTGCCGTGGAGAAATACCTGGAGGA[G>A]AACCCTCAGTTTGCCAAGGAGTACTTTGACAGGAAGTTGCGGGTGGAGGTGCTGGGAGAA-3'
Protein context (NP_006195.3, residues 5-25): NQVAVEKYLE[Glu15=]NPQFAKEYFD

ClinVar aggregate classification (germline): Likely benign (1 of 4 stars; one submission).

Conditions:
PDE6C-related disorder. Also called: PDE6C-related condition.

gnomAD v4.1: 70 of 1,614,054 alleles (0.0043%); highest among the groups gnomAD compares: Middle Eastern, 0.017%; no homozygotes.

Submission:

PreventionGenetics, part of Exact Sciences
Classification: Likely benign for PDE6C-related condition. Last evaluated: 2025-03-19. Review status: criteria provided, single submitter. Criteria: ACMG Guidelines, 2015. Collection method: clinical testing. Allele origin: germline.
Comment: This variant is classified as likely benign based on ACMG/AMP sequence variant interpretation guidelines (Richards et al. 2015 PMID: 25741868, with internal and published modifications).